The following is an entry in ClinVar:

ClinVar aggregate classification (germline): Uncertain significance (1 of 4 stars; one submission).

Allele frequency attached by ClinVar (database versions not stated): gnomAD exomes below 0.00001.

Submission:

Greenwood Genetic Center Diagnostic Laboratories, Greenwood Genetic Center
Classification: Uncertain significance. Last evaluated: 2023-07-20. Review status: criteria provided, single submitter. Criteria: ACMG Guidelines, 2015. Collection method: clinical testing. Allele origin: germline. Affected: yes.
Comment: PM2

NM_001372044.2(SHANK3):c.3277C>T (p.Arg1093Trp)

Gene: SHANK3 (SH3 and multiple ankyrin repeat domains 3; plus strand). Cytogenetic location: 22q13.33.
Variant type: single nucleotide variant.
Coding change: c.3277C>T on transcript NM_001372044.2 (MANE Select); coding-DNA position 3277, C replaced by T.
Protein change: p.Arg1093Trp; replaces arginine 1093 with tryptophan.
Molecular consequence: missense variant.
Genome position (GRCh38, 1-based): chr22:50,720,885, C>T. VCF-style: chr22-50720885-C-T. GRCh37 (hg19) VCF-style: chr22-51159313-C-T.
Other names: c.3052C>T, p.Arg1018Trp (NM_033517.1); short protein forms R1018W, R1093W.
Identifiers: ClinVar variation 2626999 (VCV002626999.1), dbSNP rs1157092088, ClinGen allele CA515260572.
Genomic context (GRCh38, chr22:50,720,885, plus strand): 5'-GACTACGGCGCGGGCGATGGCCCGGGGCTCGCGTTCGGCGGCCCGGGCCCGGCCAAGGAC[C>T]GGCGGCTGGAGGAGCGGCGCCGCTCCACTGTGTTCCTGTCCGTGGGGGCCATCGAGGGCA-3'
Protein context (NP_001358973.1, residues 1083-1103): AFGGPGPAKD[Arg1093Trp]RLEERRRSTV